The following is an entry in ClinVar:

ClinVar aggregate classification (germline): Likely pathogenic (1 of 4 stars; one submission).

Conditions:
Autosomal dominant intellectual disability-craniofacial anomalies-cardiac defects syndrome (ARTHS). Also called: Arboleda-Tham syndrome; Mental retardation, autosomal dominant 32; KAT6A syndrome. Identifiers: Orphanet 457193, MedGen C4225396, MONDO:0014558, OMIM 616268.

Submission:

Institute of Human Genetics, University of Leipzig Medical Center
Classification: Likely pathogenic for Autosomal dominant intellectual disability-craniofacial anomalies-cardiac defects syndrome. Last evaluated: 2026-04-21. Review status: criteria provided, single submitter. Criteria: ACMG Guidelines, 2015. Collection method: clinical testing. Allele origin: unknown. Inheritance: Autosomal dominant inheritance. Affected: yes.
Comment: Criteria applied: PVS1_STR,PM2

NM_006766.5(KAT6A):c.3606del (p.Lys1203fs)

Gene: KAT6A (lysine acetyltransferase 6A; minus strand). Cytogenetic location: 8p11.21.
Variant type: Deletion.
Coding change: c.3606del on transcript NM_006766.5 (MANE Select); coding-DNA position 3606, one base deleted (C; older notation c.3606delC).
Protein change: p.Lys1203fs; shifts the reading frame from lysine 1203.
Molecular consequence: frameshift variant.
Genome position (GRCh38, 1-based): chr8:41,934,614, G deleted on the plus strand (C on the coding strand, the reverse complement: KAT6A is on the minus strand); the first of 3 consecutive G bases (chr8:41,934,614-41,934,616); deleting any one gives the same sequence. VCF-style (leftmost placement, unchanged base first): chr8-41934613-TG-T. GRCh37 (hg19) VCF-style: chr8-41792131-TG-T.
Other names: short protein forms K1203fs.
Identifiers: ClinVar variation 4857442 (VCV004857442.1).